The following is an entry in ClinVar:

ClinVar aggregate classification (germline): Uncertain significance (1 of 4 stars; one submission).

Submission:

Ambry Genetics
Classification: Uncertain significance. Last evaluated: 2024-12-20. Review status: criteria provided, single submitter. Criteria: Ambry Variant Classification Scheme 2023. Collection method: clinical testing. Allele origin: germline.
Comment: The p.L422F variant (also known as c.1264C>T), located in coding exon 8 of the ATRIP gene, results from a C to T substitution at nucleotide position 1264. The leucine at codon 422 is replaced by phenylalanine, an amino acid with highly similar properties. This amino acid position is conserved. In addition, this alteration is predicted to be deleterious by in silico analysis. Based on the available evidence, the clinical significance of this variant remains unclear.

NM_130384.3(ATRIP):c.1264C>T (p.Leu422Phe)

Genes: ATRIP (ATR interacting protein; plus strand), ATRIP-TREX1 (ATRIP-TREX1 readthrough; plus strand). Cytogenetic location: 3p21.31.
Variant type: single nucleotide variant.
Coding change: c.1264C>T on transcript NM_130384.3 (MANE Select); coding-DNA position 1264, C replaced by T.
Protein change: p.Leu422Phe; replaces leucine 422 with phenylalanine.
Molecular consequence: missense variant. On other transcripts: non-coding transcript variant (1).
Genome position (GRCh38, 1-based): chr3:48,460,318, C>T. VCF-style: chr3-48460318-C-T. GRCh37 (hg19) VCF-style: chr3-48501717-C-T.
Other names: c.883C>T, p.Leu295Phe (NM_001271022.2); c.985C>T, p.Leu329Phe (NM_001271023.2); c.1264C>T, p.Leu422Phe (NM_032166.4); short protein forms L329F, L295F, L422F.
Identifiers: ClinVar variation 2278809 (VCV002278809.3), dbSNP rs748390342, ClinGen allele CA2376174.